The following is an entry in ClinVar:

ClinVar aggregate classification (germline): Uncertain significance (1 of 4 stars; one submission).

Conditions:
Charcot-Marie-Tooth disease type 2. Also called: Charcot-Marie-Tooth type 2. Identifiers: Orphanet 64746, MedGen C0270914, MONDO:0018993.

Allele frequency attached by ClinVar (database versions not stated): gnomAD 0.00001; 1000 Genomes Project 0.00020; ExAC 0.00001; 1000 Genomes Project 30x 0.00016.
gnomAD v4.1: 1 of 1,610,220 alleles (0.000062%); highest among the groups gnomAD compares: African/African-American, 0.0013%; no homozygotes.

Submission:

Labcorp Genetics (formerly Invitae), Labcorp
Classification: Uncertain significance for Charcot-Marie-Tooth disease type 2. Last evaluated: 2023-01-18. Review status: criteria provided, single submitter. Criteria: Invitae Variant Classification Sherloc (09022015). Collection method: clinical testing. Allele origin: germline.
Comment: In summary, the available evidence is currently insufficient to determine the role of this variant in disease. Therefore, it has been classified as a Variant of Uncertain Significance. Advanced modeling of protein sequence and biophysical properties (such as structural, functional, and spatial information, amino acid conservation, physicochemical variation, residue mobility, and thermodynamic stability) performed at Invitae indicates that this missense variant is expected to disrupt LMNA protein function. This variant has not been reported in the literature in individuals affected with LMNA-related conditions. This variant is present in population databases (rs545531053, gnomAD 0.007%). This sequence change replaces glutamic acid, which is acidic and polar, with lysine, which is basic and polar, at codon 444 of the LMNA protein (p.Glu444Lys).

NM_170707.4(LMNA):c.1330G>A (p.Glu444Lys)

Gene: LMNA (lamin A/C; plus strand). Cytogenetic location: 1q22.
Variant type: single nucleotide variant.
Coding change: c.1330G>A on transcript NM_170707.4 (MANE Select); coding-DNA position 1330, G replaced by A.
Protein change: p.Glu444Lys; replaces glutamic acid 444 with lysine.
Molecular consequence: missense variant.
Genome position (GRCh38, 1-based): chr1:156,136,386, G>A. VCF-style: chr1-156136386-G-A. GRCh37 (hg19) VCF-style: chr1-156106177-G-A.
Other names: c.994G>A, p.Glu332Lys (NM_001257374.3, NM_001406989.1, NM_001406998.1); c.1087G>A, p.Glu363Lys (NM_001282624.2, NM_001406986.1, NM_001406987.1); c.1330G>A, p.Glu444Lys (NM_001282625.2, NM_001282626.2, NM_001406983.1 and 6 more transcripts); c.1033G>A, p.Glu345Lys (NM_001406988.1); c.772G>A, p.Glu258Lys (NM_001406990.1, NM_001406993.1, NM_001406995.1 and 4 more transcripts); c.706G>A, p.Glu236Lys (NM_001406994.1, NM_001406999.1, NM_001407000.1 and 1 more transcripts); short protein forms E236K, E363K, E345K, E258K, E332K, E444K.
Identifiers: ClinVar variation 2041541 (VCV002041541.4), dbSNP rs545531053, ClinGen allele CA049911.
Genomic context (GRCh38, chr1:156,136,386, plus strand): 5'-ACTGAGAGCCGCAGCAGCTTCTCACAGCACGCACGCACTAGCGGGCGCGTGGCCGTGGAG[G>A]AGGTGGATGAGGAGGGCAAGTTTGTCCGGCTGCGCAACAAGTCCAATGAGGTAGGCTCCT-3'
Protein context (NP_733821.1, residues 434-454): ARTSGRVAVE[Glu444Lys]VDEEGKFVRL